The following is an entry in ClinVar:

ClinVar aggregate classification (germline): Likely benign. Review status: criteria provided, multiple submitters, no conflicts (2 of 4 stars). 3 submissions from 3 submitters: Likely benign (3). Last evaluated 2025-08-01.

Conditions:
Charcot-Marie-Tooth disease type 2. Also called: Charcot-Marie-Tooth type 2. Identifiers: Orphanet 64746, MedGen C0270914, MONDO:0018993.

Allele frequency attached by ClinVar (database versions not stated): ExAC 0.00001; gnomAD exomes 0.00003; TOPMed 0.00003.
gnomAD v4.1: 30 of 1,614,002 alleles (0.0019%); highest among the groups gnomAD compares: Admixed American, 0.01%; no homozygotes.

Submissions (3):

CeGaT Center for Human Genetics Tuebingen
Classification: Likely benign. Last evaluated: 2025-08-01. Review status: criteria provided, single submitter. Criteria: CeGaT Center For Human Genetics Tuebingen Variant Classification Criteria Version 2. Collection method: clinical testing. Allele origin: germline. Affected: yes. Observed: 1 variant allele.
Comment: KIF1B: BP4, BP7

Labcorp Genetics (formerly Invitae), Labcorp
Classification: Likely benign for Charcot-Marie-Tooth disease type 2. Last evaluated: 2024-04-09. Review status: criteria provided, single submitter. Criteria: Invitae Variant Classification Sherloc (09022015). Collection method: clinical testing. Allele origin: germline.

Ambry Genetics
Classification: Likely benign. Last evaluated: 2020-10-16. Review status: criteria provided, single submitter. Criteria: Ambry Variant Classification Scheme 2023. Collection method: clinical testing. Allele origin: germline.

NM_001365951.3(KIF1B):c.2310C>T (p.Ala770=)

Gene: KIF1B (kinesin family member 1B; plus strand). Cytogenetic location: 1p36.22.
Variant type: single nucleotide variant.
Coding change: c.2310C>T on transcript NM_001365951.3 (MANE Select); coding-DNA position 2310, C replaced by T.
Protein change: p.Ala770=; no amino-acid change (alanine 770 retained).
Molecular consequence: synonymous variant.
Genome position (GRCh38, 1-based): chr1:10,321,809, C>T. VCF-style: chr1-10321809-C-T. GRCh37 (hg19) VCF-style: chr1-10381867-C-T.
Other names: c.2310C>T, p.Ala770= (NM_001365952.1); c.2172C>T, p.Ala724= (NM_015074.3).
Identifiers: ClinVar variation 215879 (VCV000215879.20), dbSNP rs749823391, ClinGen allele CA335893.
Genomic context (GRCh38, chr1:10,321,809, plus strand): 5'-CTTCCGGAAATGGAAGTCTCATCAGTTTACTTCATTACGGGACTTACTCTGGGGCAATGC[C>T]GTGTACCTAAAGGAGGCCAATGCCATCAGTGTGGAACTGAAAAAGAAGGTATGGAGCAGG-3'
Protein context (NP_001352880.1, residues 760-780): TSLRDLLWGN[Ala770=]VYLKEANAIS